The following is an entry in ClinVar:

ClinVar aggregate classification (germline): Uncertain significance (1 of 4 stars; one submission).

Allele frequency attached by ClinVar (database versions not stated): gnomAD exomes below 0.00001.
gnomAD v4.1: 3 of 1,614,216 alleles (0.00019%); highest among the groups gnomAD compares: East Asian, 0.0022%; no homozygotes.

Submission:

Women's Health and Genetics/Laboratory Corporation of America, LabCorp
Classification: Uncertain significance. Last evaluated: 2023-05-30. Review status: criteria provided, single submitter. Criteria: LabCorp Variant Classification Summary - May 2015. Collection method: clinical testing. Allele origin: germline.
Comment: Variant summary: ZFYVE27 c.101C>T (p.Ala34Val) results in a non-conservative amino acid change in the encoded protein sequence. Four of five in-silico tools predict a benign effect of the variant on protein function. The variant allele was found at a frequency of 4e-06 in 251496 control chromosomes (gnomAD). The available data on variant occurrences in the general population are insufficient to allow any conclusion about variant significance. To our knowledge, no occurrence of c.101C>T in individuals affected with Hereditary Spastic Paraplegia 33 and no experimental evidence demonstrating its impact on protein function have been reported. No clinical diagnostic laboratories have submitted clinical-significance assessments for this variant to ClinVar after 2014. Based on the evidence outlined above, the variant was classified as uncertain significance.

NM_001385875.1(ZFYVE27):c.101C>T (p.Ala34Val)

Gene: ZFYVE27 (zinc finger FYVE-type containing 27; plus strand). Cytogenetic location: 10q24.2.
Variant type: single nucleotide variant.
Coding change: c.101C>T on transcript NM_001385875.1 (MANE Select); coding-DNA position 101, C replaced by T.
Protein change: p.Ala34Val; replaces alanine 34 with valine.
Molecular consequence: missense variant. On other transcripts: 5 prime UTR variant (13), non-coding transcript variant (17), intron variant (5).
Genome position (GRCh38, 1-based): chr10:97,738,578, C>T. VCF-style: chr10-97738578-C-T. GRCh37 (hg19) VCF-style: chr10-99498335-C-T.
Other names: c.101C>T, p.Ala34Val (NM_001002261.4, NM_001002262.4, NM_001174119.2 and 24 more transcripts); c.-79C>T (NM_001385890.1, NM_001385893.1, NM_001385895.1 and 2 more transcripts); c.-66C>T (NM_001385899.1, NM_001385900.1, NM_001385903.1 and 5 more transcripts); c.-94C>T (NM_001385915.1); c.-8+1257C>T (NM_001385891.1, NM_001385894.1, NM_001385892.1 and 1 more transcripts); c.-27+1257C>T (NM_001174121.2); short protein forms A34V.
Identifiers: ClinVar variation 2506223 (VCV002506223.1), dbSNP rs1310375566, ClinGen allele CA377996086.